The following is an entry in ClinVar:

NM_001142800.2(EYS):c.5143G>A (p.Glu1715Lys)

Gene: EYS (eyes shut homolog; minus strand). Cytogenetic location: 6q12.
Variant type: single nucleotide variant.
Coding change: c.5143G>A on transcript NM_001142800.2 (MANE Select); coding-DNA position 5143, G replaced by A.
Protein change: p.Glu1715Lys; replaces glutamic acid 1715 with lysine.
Molecular consequence: missense variant.
Genome position (GRCh38, 1-based): chr6:64,590,724, C>T on the plus strand (G>A on the coding strand, the complement: EYS is on the minus strand). VCF-style: chr6-64590724-C-T. GRCh37 (hg19) VCF-style: chr6-65300617-C-T.
Other names: c.5143G>A, p.Glu1715Lys (NM_001292009.2); short protein forms E1715K.
Identifiers: ClinVar variation 1392960 (VCV001392960.3), dbSNP rs2149831446, ClinGen allele CA364781760.

ClinVar aggregate classification (germline): Uncertain significance (1 of 4 stars; one submission).

gnomAD v4.1: 1 of 1,551,042 alleles (0.000064%); no homozygotes.

Submission:

Labcorp Genetics (formerly Invitae), Labcorp
Classification: Uncertain significance. Last evaluated: 2022-07-26. Review status: criteria provided, single submitter. Criteria: Invitae Variant Classification Sherloc (09022015). Collection method: clinical testing. Allele origin: germline.
Comment: This sequence change replaces glutamic acid, which is acidic and polar, with lysine, which is basic and polar, at codon 1715 of the EYS protein (p.Glu1715Lys). This variant is not present in population databases (gnomAD no frequency). This variant has not been reported in the literature in individuals affected with EYS-related conditions. ClinVar contains an entry for this variant (Variation ID: 1392960). Algorithms developed to predict the effect of missense changes on protein structure and function output the following: SIFT: "Tolerated"; PolyPhen-2: "Possibly Damaging"; Align-GVGD: "Class C0". The lysine amino acid residue is found in multiple mammalian species, which suggests that this missense change does not adversely affect protein function. In summary, the available evidence is currently insufficient to determine the role of this variant in disease. Therefore, it has been classified as a Variant of Uncertain Significance.